The following is an entry in ClinVar:

ClinVar aggregate classification (germline): Pathogenic. Review status: criteria provided, multiple submitters, no conflicts (2 of 4 stars). 9 submissions from 9 submitters: Pathogenic (7). 2 of the submissions do not count toward it. Last evaluated 2025-11-21.

Conditions:
Mucolipidosis type II. Also called: Mucolipidosis II Alpha/Beta; ML II ALPHA/BETA; Mucolipidosis 2; ML 2; Inclusion cell disease; Leroy Disease. Identifiers: Orphanet 576, MedGen C2673377, MONDO:0009650, OMIM 252500.
Pseudo-Hurler polydystrophy. Also called: Type III Mucolipidosis; Mucolipidosis III Alpha/Beta; MUCOLIPIDOSIS IIIA; ML IIIA; ML III; ML III ALPHA/BETA. Identifiers: Orphanet 423461, Orphanet 577, MedGen C0033788, MONDO:0018931, OMIM 252600.

Allele frequency attached by ClinVar (database versions not stated): TOPMed 0.00001.
gnomAD v4.1: 5 of 1,611,976 alleles (0.00031%); highest among the groups gnomAD compares: South Asian, 0.0044%; no homozygotes.

Submissions (9):

Natera, Inc.
Classification: Pathogenic for Mucolipidosis type II. Last evaluated: 2025-11-21. Review status: criteria provided, single submitter. Criteria: Natera Variant Classification Schema (03/2026). Collection method: clinical testing. Allele origin: germline.
Comment: The c.136C>T variant in GNPTAB is a nonsense variant predicted to introduce a stop codon at amino acid 46. This variant is expected to result in nonsense mediated decay, truncation, or a dysfunctional protein product. This variant is rare in the general population with a frequency below the threshold expected for the associated phenotype(s). This variant has been observed in one or more individuals affected with the associated recessive disease, as either homozygous or compound heterozygous with a second variant (PMID: 24060719). Given the available evidence, this variant is classified as Pathogenic.

Labcorp Genetics (formerly Invitae), Labcorp
Classification: Pathogenic for Pseudo-Hurler polydystrophy; Mucolipidosis type II. Last evaluated: 2024-10-19. Review status: criteria provided, single submitter. Criteria: Invitae Variant Classification Sherloc (09022015). Collection method: clinical testing. Allele origin: germline.
Comment: This sequence change creates a premature translational stop signal (p.Arg46*) in the GNPTAB gene. It is expected to result in an absent or disrupted protein product. Loss-of-function variants in GNPTAB are known to be pathogenic (PMID: 19617216, 25107912). This variant is present in population databases (rs78347057, gnomAD 0.003%). This premature translational stop signal has been observed in individual(s) with mucolipidosis II (PMID: 19617216, 24060719). ClinVar contains an entry for this variant (Variation ID: 39031). For these reasons, this variant has been classified as Pathogenic.

Genomic Medicine Center of Excellence, King Faisal Specialist Hospital and Research Centre
Classification: Pathogenic for Mucolipidosis type II. Last evaluated: 2024-03-14. Review status: criteria provided, single submitter. Criteria: ACMG Guidelines, 2015. Collection method: research. Allele origin: germline.

GeneDx
Classification: Pathogenic. Last evaluated: 2023-09-17. Review status: criteria provided, single submitter. Criteria: GeneDx Variant Classification Process June 2021. Collection method: clinical testing. Allele origin: germline. Affected: yes.
Comment: Nonsense variant predicted to result in protein truncation or nonsense mediated decay in a gene for which loss of function is a known mechanism of disease; Not observed at significant frequency in large population cohorts (gnomAD); This variant is associated with the following publications: (PMID: 20301728, 19617216, 24060719)

3billion
Classification: Pathogenic for Mucolipidosis type II. Last evaluated: 2023-07-11. Review status: criteria provided, single submitter. Criteria: ACMG Guidelines, 2015. Collection method: clinical testing. Allele origin: germline. Affected: yes.
Comment: The variant is observed at an extremely low frequency in the gnomAD v2.1.1 dataset (total allele frequency: <0.001%). Predicted Consequence/Location: Stop-gained (nonsense): predicted to result in a loss or disruption of normal protein function through nonsense-mediated decay (NMD) or protein truncation. Multiple pathogenic variants are reported downstream of the variant. The variant has been reported at least twice as pathogenic with clinical assertions and evidence for the classification (ClinVar ID: VCV000039031 /PMID: 19617216 /3billion dataset). Therefore, this variant is classified as Pathogenic according to the recommendation of ACMG/AMP guideline.

Women's Health and Genetics/Laboratory Corporation of America, LabCorp
Classification: Pathogenic for Mucolipidosis type II. Last evaluated: 2023-01-13. Review status: criteria provided, single submitter. Criteria: LabCorp Variant Classification Summary - May 2015. Collection method: clinical testing. Allele origin: germline.
Comment: Variant summary: GNPTAB c.136C>T (p.Arg46X) results in a premature termination codon, predicted to cause a truncation of the encoded protein or absence of the protein due to nonsense mediated decay, which are commonly known mechanisms for disease. Truncations downstream of this position have been classified as pathogenic by our laboratory. The variant allele was found at a frequency of 8e-06 in 251002 control chromosomes (gnomAD). c.136C>T has been reported in the literature as a biallelic genotype in multiple individuals affected with Mucolipidosis Type 2 (e.g. Cathey_2010, Alfadel_2013). These data indicate that the variant is very likely to be associated with disease. Four clinical diagnostic laboratories have submitted clinical-significance assessments for this variant to ClinVar after 2014 and all classified the variant as pathogenic. Based on the evidence outlined above, the variant was classified as pathogenic.

Juno Genomics, Hangzhou Juno Genomics, Inc
Classification: Pathogenic for Mucolipidosis type II; Pseudo-Hurler polydystrophy. Review status: criteria provided, single submitter. Criteria: ACMG Guidelines, 2015. Collection method: clinical testing. Allele origin: germline.
Comment: Absent from controls (or at extremely low frequency if recessive) in Genome Aggregation Database.;Null variant in a gene where loss of function (LOF) is a known mechanism of disease.;For recessive disorders, detected in trans with a pathogenic variant.;Patient's phenotype or family history is highly specific for a disease with a single genetic etiology.

Counsyl
Classification: Pathogenic for Mucolipidosis type II; Pseudo-Hurler polydystrophy. Last evaluated: 2018-03-12. Review status: no assertion criteria provided. Collection method: clinical testing. Allele origin: unknown. Not counted in ClinVar's aggregate classification.

GeneReviews
No classification provided. Condition: Mucolipidosis type II. Review status: no classification provided. Collection method: literature only. Allele origin: unknown. Not counted in ClinVar's aggregate classification.

Literature cited by the submitters: PubMed 24060719 (cited by 4 submitters); PubMed 19617216 (cited by 5 submitters); PubMed 25107912 (cited by Labcorp Genetics (formerly Invitae), Labcorp); PubMed 24798265 (cited by Counsyl); PubMed 20301728 (cited by GeneReviews); NCBI Bookshelf NBK1828 (cited by GeneReviews).

NM_024312.5(GNPTAB):c.136C>T (p.Arg46Ter)

Gene: GNPTAB (N-acetylglucosamine-1-phosphate transferase subunits alpha and beta; minus strand). Cytogenetic location: 12q23.2.
Variant type: single nucleotide variant.
Coding change: c.136C>T on transcript NM_024312.5 (MANE Select); coding-DNA position 136, C replaced by T.
Protein change: p.Arg46Ter; replaces arginine 46 with a stop codon.
Molecular consequence: nonsense.
Genome position (GRCh38, 1-based): chr12:101,796,744, G>A on the plus strand (C>T on the coding strand, the complement: GNPTAB is on the minus strand). VCF-style: chr12-101796744-G-A. GRCh37 (hg19) VCF-style: chr12-102190522-G-A.
Other names: short protein forms R46*.
Identifiers: ClinVar variation 39031 (VCV000039031.23), dbSNP rs78347057, ClinGen allele CA343345.